The following is an entry in ClinVar:

ClinVar aggregate classification (germline): Uncertain significance (1 of 4 stars; one submission).

Allele frequency attached by ClinVar (database versions not stated): TOPMed below 0.00001.
gnomAD v4.1: 1 of 1,567,460 alleles (0.000064%); highest among the groups gnomAD compares: Non-Finnish European, 0.000086%; no homozygotes.

Submission:

Labcorp Genetics (formerly Invitae), Labcorp
Classification: Uncertain significance. Last evaluated: 2022-08-23. Review status: criteria provided, single submitter. Criteria: Invitae Variant Classification Sherloc (09022015). Collection method: clinical testing. Allele origin: germline.
Comment: In summary, the available evidence is currently insufficient to determine the role of this variant in disease. Therefore, it has been classified as a Variant of Uncertain Significance. This sequence change replaces cysteine, which is neutral and slightly polar, with arginine, which is basic and polar, at codon 144 of the SLC30A10 protein (p.Cys144Arg). This variant is not present in population databases (gnomAD no frequency). This variant has not been reported in the literature in individuals affected with SLC30A10-related conditions. Algorithms developed to predict the effect of missense changes on protein structure and function output the following: SIFT: "Tolerated"; PolyPhen-2: "Benign"; Align-GVGD: "Class C0". The arginine amino acid residue is found in multiple mammalian species, which suggests that this missense change does not adversely affect protein function.

NM_018713.3(SLC30A10):c.430T>C (p.Cys144Arg)

Gene: SLC30A10 (solute carrier family 30 member 10; minus strand). Cytogenetic location: 1q41.
Variant type: single nucleotide variant.
Coding change: c.430T>C on transcript NM_018713.3 (MANE Select); coding-DNA position 430, T replaced by C.
Protein change: p.Cys144Arg; replaces cysteine 144 with arginine.
Molecular consequence: missense variant. On other transcripts: non-coding transcript variant (1), intron variant (1).
Genome position (GRCh38, 1-based): chr1:219,928,011, A>G on the plus strand (T>C on the coding strand, the complement: SLC30A10 is on the minus strand). VCF-style: chr1-219928011-A-G. GRCh37 (hg19) VCF-style: chr1-220101353-A-G.
Other names: c.-284T>C (NM_001416005.1); c.452-906T>C (NM_001376929.1); short protein forms C144R.
Identifiers: ClinVar variation 2100022 (VCV002100022.4), dbSNP rs1659887192, ClinGen allele CA344733649.
Genomic context (GRCh38, chr1:219,928,011, plus strand): 5'-GGACACAGCCCTCCGCCAGCTGCTGCCGCTGCTGCAGGCGGCGACTGCGTCCCCGGAGGC[A>G]GCACGCGAACCAGGCGGCGCAGTCCTGGAAGATGAGCAGCCCCACCACGTTGACCAACAG-3'
Protein context (NP_061183.2, residues 134-154): FQDCAAWFAC[Cys144Arg]LRGRSRRLQQ